The following is an entry in ClinVar:

ClinVar aggregate classification (germline): Uncertain significance (1 of 4 stars; one submission).

Conditions:
Epidermolysis bullosa simplex 3, localized or generalized intermediate, with BP230 deficiency (EBS3). Also called: Epidermolysis bullosa simplex due to BP230 deficiency; Epidermolysis bullosa simplex, autosomal recessive 2. Identifiers: Orphanet 412181, MedGen C3809470, MONDO:0014180, OMIM 615425.
Hereditary sensory and autonomic neuropathy type 6. Also called: HSAN VI; Neuropathy, hereditary sensory and autonomic, type VI. Identifiers: Orphanet 314381, MedGen C3539003, MONDO:0013839, OMIM 614653.

Submission:

Labcorp Genetics (formerly Invitae), Labcorp
Classification: Uncertain significance for Epidermolysis bullosa simplex 3, localized or generalized intermediate, with BP230 deficiency; Hereditary sensory and autonomic neuropathy type 6. Last evaluated: 2019-11-27. Review status: criteria provided, single submitter. Criteria: Invitae Variant Classification Sherloc (09022015). Collection method: clinical testing. Allele origin: germline.
Comment: In summary, the available evidence is currently insufficient to determine the role of this variant in disease. Therefore, it has been classified as a Variant of Uncertain Significance. Algorithms developed to predict the effect of missense changes on protein structure and function are either unavailable or do not agree on the potential impact of this missense change (SIFT: "Tolerated"; PolyPhen-2: "Benign"; Align-GVGD: "Class C0"). This variant has not been reported in the literature in individuals with DST-related conditions. This variant is not present in population databases (ExAC no frequency). This sequence change replaces valine with leucine at codon 2191 of the DST protein (p.Val2191Leu). The valine residue is weakly conserved and there is a small physicochemical difference between valine and leucine.

NM_001723.7(DST):c.6571G>C (p.Val2191Leu)

Gene: DST (dystonin; minus strand). Cytogenetic location: 6p12.1.
Variant type: single nucleotide variant.
Coding change: c.6571G>C on transcript NM_001723.7 (MANE Plus Clinical); coding-DNA position 6571, G replaced by C.
Protein change: p.Val2191Leu; replaces valine 2191 with leucine.
Molecular consequence: missense variant. On other transcripts: intron variant (10).
Genome position (GRCh38, 1-based): chr6:56,616,896, C>G on the plus strand (G>C on the coding strand, the complement: DST is on the minus strand). VCF-style: chr6-56616896-C-G. GRCh37 (hg19) VCF-style: chr6-56481694-C-G.
Other names: c.4831-2412G>C (NM_001144769.5); c.4930-2412G>C (NM_001374722.1, NM_001374736.1); c.4957-2412G>C (NM_001374734.1); c.4417-2412G>C (NM_001144770.2); c.4297-2412G>C (NM_001374730.1, NM_001386100.1, NM_183380.4 and 1 more transcripts); c.3319-2412G>C (NM_015548.5); short protein forms V2191L.
Identifiers: ClinVar variation 842978 (VCV000842978.10), dbSNP rs760993012, ClinGen allele CA364564863.
Genomic context (GRCh38, chr6:56,616,896, plus strand): 5'-CCTCAAGAAGCCTAATTCTGAATTCGGGGTCAACAACTCCTTTAAGAACTGCATCTTCAA[C>G]AGAATATGTCTGACCTGAAATGGGATCAATTATAAAACCTGTTGCAGCCTGAGCTTCTAA-3'
Protein context (NP_001714.1, residues 2181-2201): IDPISGQTYS[Val2191Leu]EDAVLKGVVD